The following is an entry in ClinVar:

ClinVar aggregate classification (germline): Benign (0 of 4 stars; one submission).

Conditions:
CDH4-related disorder. Also called: CDH4-related condition.

Allele frequency attached by ClinVar (database versions not stated): 1000 Genomes Project 0.00459; 1000 Genomes Project 30x 0.00468; TOPMed 0.01069; gnomAD 0.01121; ExAC 0.01225; ESP Exome Variant Server 0.01445.
gnomAD v4.1: 27,078 of 1,611,808 alleles (1.7%); highest among the groups gnomAD compares: Non-Finnish European, 2.1%; 270 homozygotes.

Submissions (16):

PreventionGenetics, part of Exact Sciences
Classification: Benign for CDH4-related condition. Last evaluated: 2019-06-27. Review status: no assertion criteria provided. Collection method: clinical testing. Allele origin: germline.
Comment: This variant is classified as benign based on ACMG/AMP sequence variant interpretation guidelines (Richards et al. 2015 PMID: 25741868, with internal and published modifications).

Dr. Peter K. Rogan Lab, Western University
No classification provided (evidence only). Condition: Clear cell carcinoma of kidney. Review status: no classification provided. Collection method: in vitro. Allele origin: not applicable. Functional consequence: retained intron. Not counted in ClinVar's aggregate classification.

Dr. Peter K. Rogan Lab, Western University
No classification provided (evidence only). Condition: Clear cell carcinoma of kidney. Review status: no classification provided. Collection method: in vitro. Allele origin: not applicable. Functional consequence: retained intron. Not counted in ClinVar's aggregate classification.

Dr. Peter K. Rogan Lab, Western University
No classification provided (evidence only). Condition: Lung cancer. Review status: no classification provided. Collection method: in vitro. Allele origin: not applicable. Functional consequence: retained intron. Not counted in ClinVar's aggregate classification.

Dr. Peter K. Rogan Lab, Western University
No classification provided (evidence only). Condition: Melanoma. Review status: no classification provided. Collection method: in vitro. Allele origin: not applicable. Functional consequence: retained intron. Not counted in ClinVar's aggregate classification.

Dr. Peter K. Rogan Lab, Western University
No classification provided (evidence only). Condition: Melanoma. Review status: no classification provided. Collection method: in vitro. Allele origin: not applicable. Functional consequence: retained intron. Not counted in ClinVar's aggregate classification.

Dr. Peter K. Rogan Lab, Western University
No classification provided (evidence only). Condition: Thyroid cancer, nonmedullary, 1. Review status: no classification provided. Collection method: in vitro. Allele origin: not applicable. Functional consequence: retained intron. Not counted in ClinVar's aggregate classification.

Dr. Peter K. Rogan Lab, Western University
No classification provided (evidence only). Condition: Thyroid cancer, nonmedullary, 1. Review status: no classification provided. Collection method: in vitro. Allele origin: not applicable. Functional consequence: retained intron. Not counted in ClinVar's aggregate classification.

Dr. Peter K. Rogan Lab, Western University
No classification provided (evidence only). Condition: Thyroid cancer, nonmedullary, 1. Review status: no classification provided. Collection method: in vitro. Allele origin: not applicable. Functional consequence: retained intron. Not counted in ClinVar's aggregate classification.

Dr. Peter K. Rogan Lab, Western University
No classification provided (evidence only). Condition: Cervical cancer. Review status: no classification provided. Collection method: in vitro. Allele origin: not applicable. Functional consequence: retained intron. Not counted in ClinVar's aggregate classification.

Dr. Peter K. Rogan Lab, Western University
No classification provided (evidence only). Condition: Cervical cancer. Review status: no classification provided. Collection method: in vitro. Allele origin: not applicable. Functional consequence: retained intron. Not counted in ClinVar's aggregate classification.

Dr. Peter K. Rogan Lab, Western University
No classification provided (evidence only). Condition: Cervical cancer. Review status: no classification provided. Collection method: in vitro. Allele origin: not applicable. Functional consequence: retained intron. Not counted in ClinVar's aggregate classification.

Dr. Peter K. Rogan Lab, Western University
No classification provided (evidence only). Condition: Hepatocellular carcinoma. Review status: no classification provided. Collection method: in vitro. Allele origin: not applicable. Functional consequence: retained intron. Not counted in ClinVar's aggregate classification.

Dr. Peter K. Rogan Lab, Western University
No classification provided (evidence only). Condition: Nonpapillary renal cell carcinoma. Review status: no classification provided. Collection method: in vitro. Allele origin: not applicable. Functional consequence: retained intron. Not counted in ClinVar's aggregate classification.

Dr. Peter K. Rogan Lab, Western University
No classification provided (evidence only). Condition: Uveal melanoma. Review status: no classification provided. Collection method: in vitro. Allele origin: not applicable. Functional consequence: retained intron. Not counted in ClinVar's aggregate classification.

Dr. Peter K. Rogan Lab, Western University
No classification provided (evidence only). Condition: Malignant tumor of esophagus. Review status: no classification provided. Collection method: in vitro. Allele origin: not applicable. Functional consequence: retained intron. Not counted in ClinVar's aggregate classification.

NM_001794.5(CDH4):c.1965G>A (p.Pro655=)

Gene: CDH4 (cadherin 4; plus strand). Cytogenetic location: 20q13.33.
Variant type: single nucleotide variant.
Coding change: c.1965G>A on transcript NM_001794.5 (MANE Select); coding-DNA position 1965, G replaced by A.
Protein change: p.Pro655=; no amino-acid change (proline 655 retained).
Molecular consequence: synonymous variant.
Genome position (GRCh38, 1-based): chr20:61,928,383, G>A. VCF-style: chr20-61928383-G-A. GRCh37 (hg19) VCF-style: chr20-60503441-G-A.
Other names: NC_000020.10:g.60503441G>A; c.1854G>A, p.Pro618= (NM_001252338.2); c.1743G>A, p.Pro581= (NM_001252339.3).
Identifiers: ClinVar variation 3060498 (VCV003060498.3), dbSNP rs142995081, ClinGen allele CA9934921.